The following is an entry in ClinVar:

ClinVar aggregate classification (germline): Pathogenic (1 of 4 stars; one submission).

Conditions:
Cardiovascular phenotype. Identifiers: MedGen CN230736.

gnomAD v4.1: 1 of 1,609,692 alleles (0.000062%); highest among the groups gnomAD compares: Non-Finnish European, 0.000085%; no homozygotes.

Submission:

Ambry Genetics
Classification: Pathogenic for Cardiovascular phenotype. Last evaluated: 2025-04-06. Review status: criteria provided, single submitter. Criteria: Ambry Variant Classification Scheme 2023. Collection method: clinical testing. Allele origin: germline.
Comment: The p.W141* pathogenic mutation (also known as c.423G>A), located in coding exon 3 of the ACVRL1 gene, results from a G to A substitution at nucleotide position 423. This changes the amino acid from a tryptophan to a stop codon within coding exon 3. This mutation has been described in two individuals with a clinical diagnosis of hereditary hemorrhagic telangiectasia (Abdalla SA et al. Eur. J. Hum. Genet., 2003 Apr;11:279-87; McDonald J et al. Clin. Genet., 2011 Apr;79:335-44). In addition to the clinical data presented in the literature, this alteration is expected to result in loss of function by premature protein truncation or nonsense-mediated mRNA decay. As such, this alteration is interpreted as a disease-causing mutation.

Literature cited by the submitters: PubMed 12700602; PubMed 15266205; PubMed 21158752; PubMed 9245985.

NM_000020.3(ACVRL1):c.423G>A (p.Trp141Ter)

Gene: ACVRL1 (activin A receptor like type 1; plus strand). Cytogenetic location: 12q13.13.
Variant type: single nucleotide variant.
Coding change: c.423G>A on transcript NM_000020.3 (MANE Select); coding-DNA position 423, G replaced by A.
Protein change: p.Trp141Ter; replaces tryptophan 141 with a stop codon.
Molecular consequence: nonsense.
Genome position (GRCh38, 1-based): chr12:51,913,668, G>A. VCF-style: chr12-51913668-G-A. GRCh37 (hg19) VCF-style: chr12-52307452-G-A.
Other names: c.423G>A, p.Trp141Ter (NM_001077401.2, NM_001406487.1, NM_001406488.1 and 1 more transcripts); short protein forms W141*.
Identifiers: ClinVar variation 1738981 (VCV001738981.3), dbSNP rs1422629205, ClinGen allele CA384898792.